The following is an entry in ClinVar:

NM_001348716.2(KDM6B):c.4539C>T (p.Pro1513=)

Genes: KDM6B (lysine demethylase 6B; plus strand), LOC121587574 (Sharpr-MPRA regulatory region 3930; plus strand). Cytogenetic location: 17p13.1.
Variant type: single nucleotide variant.
Coding change: c.4539C>T on transcript NM_001348716.2 (MANE Select); coding-DNA position 4539, C replaced by T.
Protein change: p.Pro1513=; no amino-acid change (proline 1513 retained).
Molecular consequence: synonymous variant.
Genome position (GRCh38, 1-based): chr17:7,852,565, C>T. VCF-style: chr17-7852565-C-T. GRCh37 (hg19) VCF-style: chr17-7755883-C-T.
Other names: c.4539C>T, p.Pro1513= (NM_001080424.2).
Identifiers: ClinVar variation 730936 (VCV000730936.29), dbSNP rs148841296, ClinGen allele CA8361494.

ClinVar aggregate classification (germline): Likely benign. Review status: criteria provided, multiple submitters, no conflicts (2 of 4 stars). 4 submissions from 4 submitters: Likely benign (4). Last evaluated 2026-08-01.

Allele frequency attached by ClinVar (database versions not stated): gnomAD 0.00026; TOPMed 0.00027; gnomAD exomes 0.00034 and 0.00049; ESP Exome Variant Server 0.00038; ExAC 0.00045.
gnomAD v4.1: 570 of 1,614,042 alleles (0.035%); highest among the groups gnomAD compares: Middle Eastern, 1%; no homozygotes.

Submissions (4):

CeGaT Center for Human Genetics Tuebingen
Classification: Likely benign. Last evaluated: 2026-08-01. Review status: criteria provided, single submitter. Criteria: CeGaT Center For Human Genetics Tuebingen Variant Classification Criteria Version 2. Collection method: clinical testing. Allele origin: germline. Affected: yes. Observed: 4 variant alleles.
Comment: KDM6B: BP4, BP7

Blueprint Genetics
Classification: Likely benign. Last evaluated: 2024-10-25. Review status: criteria provided, single submitter. Criteria: ACMG Guidelines, 2015. Collection method: clinical testing. Allele origin: germline.

Labcorp Genetics (formerly Invitae), Labcorp
Classification: Likely benign. Last evaluated: 2018-05-14. Review status: criteria provided, single submitter. Criteria: Invitae Variant Classification Sherloc (09022015). Collection method: clinical testing. Allele origin: germline.

Breakthrough Genomics
Classification: Likely benign. Review status: criteria provided, single submitter. Criteria: ACMG Guidelines, 2015. Collection method: not provided. Allele origin: germline. Inheritance: Autosomal dominant inheritance. Affected: yes.